The following is an entry in ClinVar:

ClinVar aggregate classification (germline): Likely pathogenic (1 of 4 stars; one submission).

Conditions:
Familial hemophagocytic lymphohistiocytosis 3 (FHL3). Also called: UNC13D-Related Familial Hemophagocytic Lymphohistiocytosis (UNC13D-fHLH). Identifiers: Orphanet 540, MedGen C1837174, MONDO:0012146, OMIM 608898.

Submission:

Suma Genomics
Classification: Likely pathogenic for Familial hemophagocytic lymphohistiocytosis 3. Review status: criteria provided, single submitter. Criteria: ACMG Guidelines, 2015. Collection method: clinical testing. Allele origin: germline. Inheritance: Autosomal recessive inheritance. Affected: yes. Observed: 1 homozygote.
Comment: This variant is not observed in the gnomAD database. ACMG classification: Likely pathogenic Criteria met: PVS1: Null variant in a gene where loss of function is a known mechanism of disease PM2_Supporting: This variant is not observed in the gnomAD database.

NM_199242.3(UNC13D):c.1919del (p.Ile640fs)

Gene: UNC13D (unc-13 homolog D; minus strand). Cytogenetic location: 17q25.1.
Variant type: Deletion.
Coding change: c.1919del on transcript NM_199242.3 (MANE Select); coding-DNA position 1919, one base deleted (T; older notation c.1919delT).
Protein change: p.Ile640fs; shifts the reading frame from isoleucine 640.
Molecular consequence: frameshift variant.
Genome position (GRCh38, 1-based): chr17:75,834,993, A deleted on the plus strand (T on the coding strand, the reverse complement: UNC13D is on the minus strand). VCF-style (leftmost placement, unchanged base first): chr17-75834992-GA-G. GRCh37 (hg19) VCF-style: chr17-73831073-GA-G.
Other names: short protein forms I640fs.
Identifiers: ClinVar variation 4082124 (VCV004082124.1).
Genomic context (GRCh38, chr17:75,834,992, plus strand): 5'-GACGGTAATCATGAAGGCCTCCTCTGGGTCTGGCCAGTCCAGCTGCCGGGCAGTGTGGCT[GA>G]TCTGGGCAAAGCAGGTGGATAGATCCACCGCTGATGTGCTGTGCTTGGTCAGTTCACCCA-3'